The following is an entry in ClinVar:

NM_000051.4(ATM):c.7957A>T (p.Ile2653Phe)

Genes: ATM (ATM serine/threonine kinase; plus strand), C11orf65 (chromosome 11 open reading frame 65; minus strand). Cytogenetic location: 11q22.3.
Variant type: single nucleotide variant.
Coding change: c.7957A>T on transcript NM_000051.4 (MANE Select); coding-DNA position 7957, A replaced by T.
Protein change: p.Ile2653Phe; replaces isoleucine 2653 with phenylalanine.
Molecular consequence: missense variant. On other transcripts: intron variant (2).
Genome position (GRCh38, 1-based): chr11:108,333,915, A>T. VCF-style: chr11-108333915-A-T. GRCh37 (hg19) VCF-style: chr11-108204642-A-T.
Other names: c.7957A>T, p.Ile2653Phe (NM_001351834.2); c.641-24844T>A (NM_001330368.2); c.*38+1305T>A (NM_001351110.2); short protein forms I2653F.
Identifiers: ClinVar variation 970120 (VCV000970120.12), dbSNP rs747448699, ClinGen allele CA228419749.

ClinVar aggregate classification (germline): Uncertain significance. Review status: criteria provided, multiple submitters, no conflicts (2 of 4 stars). 3 submissions from 3 submitters: Uncertain significance (3). Last evaluated 2024-03-27.

Conditions:
Hereditary cancer-predisposing syndrome. Also called: Tumor predisposition; Neoplastic Syndromes, Hereditary; Hereditary neoplastic syndrome; Hereditary Cancer Syndrome. Identifiers: Orphanet 140162, MedGen C0027672, MeSH D009386, MONDO:0015356.
Ataxia-telangiectasia syndrome (AT). Also called: Ataxia-telangiectasia, complementation group D; AT, COMPLEMENTATION GROUP C; ATAXIA-TELANGIECTASIA, COMPLEMENTATION GROUP A; ATAXIA-TELANGIECTASIA, FRESNO VARIANT; Ataxia-telangiectasia; Ataxia telangiectasia (A-T). Identifiers: Orphanet 100, MedGen C0004135, MONDO:0008840, OMIM 208900.
Familial cancer of breast. Also called: Hereditary breast cancer; hereditary breast carcinoma; BREAST CANCER, FAMILIAL. Identifiers: Orphanet 227535, MedGen C0346153, MONDO:0016419, OMIM 114480. Disease mechanism: loss of function.

Allele frequency attached by ClinVar (database versions not stated): gnomAD 0.00001; TOPMed 0.00001.
gnomAD v4.1: 1 of 1,611,228 alleles (0.000062%); highest among the groups gnomAD compares: African/African-American, 0.0013%; no homozygotes.

Submissions (3):

Ambry Genetics
Classification: Uncertain significance for Hereditary cancer-predisposing syndrome. Last evaluated: 2024-03-27. Review status: criteria provided, single submitter. Criteria: Ambry Variant Classification Scheme 2023. Collection method: clinical testing. Allele origin: germline.
Comment: The p.I2653F variant (also known as c.7957A>T), located in coding exon 53 of the ATM gene, results from an A to T substitution at nucleotide position 7957. The isoleucine at codon 2653 is replaced by phenylalanine, an amino acid with highly similar properties. This amino acid position is highly conserved in available vertebrate species. In addition, this alteration is predicted to be deleterious by in silico analysis. Based on the available evidence, the clinical significance of this alteration remains unclear.

Baylor Genetics
Classification: Uncertain significance for Familial cancer of breast. Last evaluated: 2024-03-11. Review status: criteria provided, single submitter. Criteria: ACMG Guidelines, 2015. Collection method: clinical testing. Allele origin: unknown.

Labcorp Genetics (formerly Invitae), Labcorp
Classification: Uncertain significance for Ataxia-telangiectasia syndrome. Last evaluated: 2022-09-12. Review status: criteria provided, single submitter. Criteria: Invitae Variant Classification Sherloc (09022015). Collection method: clinical testing. Allele origin: germline.
Comment: This sequence change replaces isoleucine, which is neutral and non-polar, with phenylalanine, which is neutral and non-polar, at codon 2653 of the ATM protein (p.Ile2653Phe). This variant is present in population databases (no rsID available, gnomAD 0.01%). This variant has not been reported in the literature in individuals affected with ATM-related conditions. ClinVar contains an entry for this variant (Variation ID: 970120). Algorithms developed to predict the effect of missense changes on protein structure and function are either unavailable or do not agree on the potential impact of this missense change (SIFT: "Tolerated"; PolyPhen-2: "Probably Damaging"; Align-GVGD: "Class C0"). In summary, the available evidence is currently insufficient to determine the role of this variant in disease. Therefore, it has been classified as a Variant of Uncertain Significance.